The following is an entry in ClinVar:

NM_138694.4(PKHD1):c.9825del (p.Gln3276fs)

Gene: PKHD1 (PKHD1 ciliary IPT domain containing fibrocystin/polyductin; minus strand). Cytogenetic location: 6p12.3.
Variant type: Deletion.
Coding change: c.9825del on transcript NM_138694.4 (MANE Select); coding-DNA position 9825, one base deleted (T; older notation c.9825delT).
Protein change: p.Gln3276fs; shifts the reading frame from glutamine 3276.
Molecular consequence: frameshift variant.
Genome position (GRCh38, 1-based): chr6:51,747,791, A deleted on the plus strand (T on the coding strand, the reverse complement: PKHD1 is on the minus strand); the first of 2 consecutive A bases (chr6:51,747,791-51,747,792); deleting either gives the same sequence. VCF-style (leftmost placement, unchanged base first): chr6-51747790-GA-G. GRCh37 (hg19) VCF-style: chr6-51612588-GA-G.
Other names: c.9825del, p.Gln3276fs (NM_170724.3); short protein forms Q3276fs.
Identifiers: ClinVar variation 1806329 (VCV001806329.2), dbSNP rs2533800740, ClinGen allele CA1139532805.

ClinVar aggregate classification (germline): Pathogenic/Likely pathogenic. Review status: criteria provided, multiple submitters, no conflicts (2 of 4 stars). 2 submissions from 2 submitters: Pathogenic (1); Likely pathogenic (1). Last evaluated 2025-09-24.

Conditions:
Polycystic kidney disease 4 (PKD4). Also called: PKD3; Autosomal Recessive Polycystic Kidney Disease – PKHD1; POLYCYSTIC KIDNEY AND HEPATIC DISEASE 1; POLYCYSTIC KIDNEY DISEASE, INFANTILE, TYPE I; POLYCYSTIC KIDNEY DISEASE 4 WITH OR WITHOUT POLYCYSTIC LIVER DISEASE. Identifiers: MedGen C4540575, MONDO:0033004, OMIM 263200.
Autosomal recessive polycystic kidney disease (ARPKD). Also called: AR polycystic kidney disease. Identifiers: Orphanet 731, Orphanet 8378, MedGen C0085548, MeSH D017044, MONDO:0009889.

Submissions (2):

Natera, Inc.
Classification: Likely pathogenic for Autosomal recessive polycystic kidney disease. Last evaluated: 2025-09-24. Review status: criteria provided, single submitter. Criteria: Natera Variant Classification Schema (03/2026). Collection method: clinical testing. Allele origin: germline.
Comment: The c.9825delT variant in PKHD1 is a frameshift variant predicted to shift the reading frame beginning at codon 3276 and leads to a stop codon 9 codons downstream. This variant is expected to result in nonsense mediated decay, truncation, or a dysfunctional protein product. This variant is rare in the general population with a frequency below the threshold expected for the associated phenotype(s). Given the available evidence, this variant is classified as Likely Pathogenic.

Victorian Clinical Genetics Services, Murdoch Childrens Research Institute
Classification: Pathogenic for Polycystic kidney disease 4. Last evaluated: 2022-06-24. Review status: criteria provided, single submitter. Criteria: ACMG Guidelines, 2015. Collection method: clinical testing. Allele origin: germline. Inheritance: Autosomal recessive inheritance. Affected: yes.
Comment: Based on the classification scheme VCGS_Germline_v1.3.4, this variant is classified as Pathogenic. Following criteria are met: 0102 - Loss of function is a known mechanism of disease in this gene and is associated with polycystic kidney disease 4, with or without hepatic disease (MIM#263200). (I) 0106 - This gene is associated with autosomal recessive disease. (I) 0115 - Variants in this gene are known to have variable expressivity (GeneReviews). (I) 0201 - Variant is predicted to cause nonsense-mediated decay (NMD) and loss of protein (premature termination codon is located at least 54 nucleotides upstream of the final exon-exon junction). (SP) 0251 - This variant is heterozygous. (I) 0301 - Variant is absent from gnomAD (both v2 and v3). (SP) 0701 - Other premature termination variants comparable to the one identified in this case have very strong previous evidence for pathogenicity. Many NMD-predicted variants have been reported as likely pathogenic/pathogenic (ClinVar). (SP) 0807 - This variant has no previous evidence of pathogenicity. (I) 0905 - No published segregation evidence has been identified for this variant. (I) 1007 - No published functional evidence has been identified for this variant. (I) 1102 - Strong phenotype match for this individual. (I) Legend: (SP) - Supporting pathogenic, (I) - Information, (SB) - Supporting benign